The following is an entry in ClinVar:

ClinVar aggregate classification (germline): Uncertain significance. Review status: criteria provided, multiple submitters, no conflicts (2 of 4 stars). 2 submissions from 2 submitters: Uncertain significance (2). Last evaluated 2024-11-25.

Allele frequency attached by ClinVar (database versions not stated): gnomAD exomes below 0.00001; gnomAD 0.00002 and 0.00003; TOPMed 0.00002.
gnomAD v4.1: 11 of 1,614,042 alleles (0.00068%); highest among the groups gnomAD compares: Admixed American, 0.012%; no homozygotes.

Submissions (2):

Ambry Genetics
Classification: Uncertain significance. Last evaluated: 2024-11-25. Review status: criteria provided, single submitter. Criteria: Ambry Variant Classification Scheme 2023. Collection method: clinical testing. Allele origin: germline.

Labcorp Genetics (formerly Invitae), Labcorp
Classification: Uncertain significance. Last evaluated: 2024-02-14. Review status: criteria provided, single submitter. Criteria: Invitae Variant Classification Sherloc (09022015). Collection method: clinical testing. Allele origin: germline.
Comment: This sequence change replaces alanine, which is neutral and non-polar, with valine, which is neutral and non-polar, at codon 45 of the EGF protein (p.Ala45Val). This variant is not present in population databases (gnomAD no frequency). This variant has not been reported in the literature in individuals affected with EGF-related conditions. ClinVar contains an entry for this variant (Variation ID: 1524106). Algorithms developed to predict the effect of missense changes on protein structure and function output the following: SIFT: "Not Available"; PolyPhen-2: "Benign"; Align-GVGD: "Not Available". The valine amino acid residue is found in multiple mammalian species, which suggests that this missense change does not adversely affect protein function. In summary, the available evidence is currently insufficient to determine the role of this variant in disease. Therefore, it has been classified as a Variant of Uncertain Significance.

NM_001963.6(EGF):c.134C>T (p.Ala45Val)

Gene: EGF (epidermal growth factor; plus strand). Cytogenetic location: 4q25.
Variant type: single nucleotide variant.
Coding change: c.134C>T on transcript NM_001963.6 (MANE Select); coding-DNA position 134, C replaced by T.
Protein change: p.Ala45Val; replaces alanine 45 with valine.
Molecular consequence: missense variant.
Genome position (GRCh38, 1-based): chr4:109,940,952, C>T. VCF-style: chr4-109940952-C-T. GRCh37 (hg19) VCF-style: chr4-110862108-C-T.
Other names: c.134C>T, p.Ala45Val (NM_001178130.3, NM_001178131.3, NM_001357021.2); c.134C>T (NM_001963.4); short protein forms A45V.
Identifiers: ClinVar variation 1524106 (VCV001524106.9), dbSNP rs558295228, ClinGen allele CA103711416.